The following is an entry in ClinVar:

NM_001386298.1(CIC):c.4238C>T (p.Thr1413Ile)

Gene: CIC (capicua transcriptional repressor; plus strand). Cytogenetic location: 19q13.2.
Variant type: single nucleotide variant.
Coding change: c.4238C>T on transcript NM_001386298.1 (MANE Select); coding-DNA position 4238, C replaced by T.
Protein change: p.Thr1413Ile; replaces threonine 1413 with isoleucine.
Molecular consequence: missense variant.
Genome position (GRCh38, 1-based): chr19:42,290,279, C>T. VCF-style: chr19-42290279-C-T. GRCh37 (hg19) VCF-style: chr19-42794431-C-T.
Other names: c.4238C>T, p.Thr1413Ile (NM_001304815.2, NM_001379480.1, NM_001379482.1 and 6 more transcripts); c.1511C>T, p.Thr504Ile (NM_001379484.1, NM_001379485.1, NM_001439189.1 and 3 more transcripts); short protein forms T1413I, T504I.
Identifiers: ClinVar variation 4718490 (VCV004718490.1).

ClinVar aggregate classification (germline): Uncertain significance (1 of 4 stars; one submission).

Submission:

Labcorp Genetics (formerly Invitae), Labcorp
Classification: Uncertain significance. Last evaluated: 2025-04-27. Review status: criteria provided, single submitter. Criteria: Invitae Variant Classification Sherloc (09022015). Collection method: clinical testing. Allele origin: germline.
Comment: This sequence change replaces threonine, which is neutral and polar, with isoleucine, which is neutral and non-polar, at codon 504 of the CIC protein (p.Thr504Ile). This variant is not present in population databases (gnomAD no frequency). This variant has not been reported in the literature in individuals affected with CIC-related conditions. An algorithm developed to predict the effect of missense changes on protein structure and function (PolyPhen-2) suggests that this variant is likely to be tolerated. In summary, the available evidence is currently insufficient to determine the role of this variant in disease. Therefore, it has been classified as a Variant of Uncertain Significance.